The following is an entry in ClinVar:

NM_007055.4(POLR3A):c.2918T>C (p.Ile973Thr)

Gene: POLR3A (RNA polymerase III subunit A; minus strand). Cytogenetic location: 10q22.3.
Variant type: single nucleotide variant.
Coding change: c.2918T>C on transcript NM_007055.4 (MANE Select); coding-DNA position 2918, T replaced by C.
Protein change: p.Ile973Thr; replaces isoleucine 973 with threonine.
Molecular consequence: missense variant.
Genome position (GRCh38, 1-based): chr10:77,986,143, A>G on the plus strand (T>C on the coding strand, the complement: POLR3A is on the minus strand). VCF-style: chr10-77986143-A-G. GRCh37 (hg19) VCF-style: chr10-79745901-A-G.
Other names: short protein forms I973T.
Identifiers: ClinVar variation 1984257 (VCV001984257.1), dbSNP rs768402522, ClinGen allele CA5570978.
Genomic context (GRCh38, chr10:77,986,143, plus strand): 5'-CCGTTATCATTGATGCCATATTTATCTCTGGTTTTCTTGATCTTCTCAGAGACCCCCTTA[A>G]TGAATTTTTTTATTTCCTGAAAGATTACACAGCAAACATCATTTGTAAGTTTCACAGTCA-3'
Protein context (NP_008986.2, residues 963-983): DSFLQEIKKF[Ile973Thr]KGVSEKIKKT

ClinVar aggregate classification (germline): Uncertain significance (1 of 4 stars; one submission).

Allele frequency attached by ClinVar (database versions not stated): gnomAD exomes below 0.00001; ExAC 0.00001; gnomAD 0.00001; TOPMed 0.00001.

Submission:

Labcorp Genetics (formerly Invitae), Labcorp
Classification: Uncertain significance. Last evaluated: 2022-08-22. Review status: criteria provided, single submitter. Criteria: Invitae Variant Classification Sherloc (09022015). Collection method: clinical testing. Allele origin: germline.
Comment: This sequence change replaces isoleucine, which is neutral and non-polar, with threonine, which is neutral and polar, at codon 973 of the POLR3A protein (p.Ile973Thr). This variant is present in population databases (rs768402522, gnomAD 0.002%). This variant has not been reported in the literature in individuals affected with POLR3A-related conditions. Algorithms developed to predict the effect of missense changes on protein structure and function are either unavailable or do not agree on the potential impact of this missense change (SIFT: "Deleterious"; PolyPhen-2: "Benign"; Align-GVGD: "Class C0"). In summary, the available evidence is currently insufficient to determine the role of this variant in disease. Therefore, it has been classified as a Variant of Uncertain Significance.